The following is an entry in ClinVar:

NM_000553.6(WRN):c.3737T>C (p.Leu1246Pro)

Gene: WRN (WRN RecQ like helicase; plus strand). Cytogenetic location: 8p12.
Variant type: single nucleotide variant.
Coding change: c.3737T>C on transcript NM_000553.6 (MANE Select); coding-DNA position 3737, T replaced by C.
Protein change: p.Leu1246Pro; replaces leucine 1246 with proline.
Molecular consequence: missense variant.
Genome position (GRCh38, 1-based): chr8:31,154,673, T>C. VCF-style: chr8-31154673-T-C. GRCh37 (hg19) VCF-style: chr8-31012189-T-C.
Other names: short protein forms L1246P.
Identifiers: ClinVar variation 2879275 (VCV002879275.1), dbSNP rs923370255, ClinGen allele CA174911436.

ClinVar aggregate classification (germline): Uncertain significance (1 of 4 stars; one submission).

Conditions:
Werner syndrome (WRN). Identifiers: Orphanet 902, MedGen C0043119, MONDO:0010196, OMIM 277700.

Allele frequency attached by ClinVar (database versions not stated): gnomAD exomes below 0.00001.
gnomAD v4.1: 1 of 1,613,618 alleles (0.000062%); highest among the groups gnomAD compares: South Asian, 0.0011%; no homozygotes.

Submission:

Labcorp Genetics (formerly Invitae), Labcorp
Classification: Uncertain significance for Werner syndrome. Last evaluated: 2023-10-15. Review status: criteria provided, single submitter. Criteria: Invitae Variant Classification Sherloc (09022015). Collection method: clinical testing. Allele origin: germline.
Comment: This sequence change replaces leucine, which is neutral and non-polar, with proline, which is neutral and non-polar, at codon 1246 of the WRN protein (p.Leu1246Pro). This variant is not present in population databases (gnomAD no frequency). This variant has not been reported in the literature in individuals affected with WRN-related conditions. Algorithms developed to predict the effect of missense changes on protein structure and function output the following: SIFT: "Not Available"; PolyPhen-2: "Benign"; Align-GVGD: "Not Available". The proline amino acid residue is found in multiple mammalian species, which suggests that this missense change does not adversely affect protein function. In summary, the available evidence is currently insufficient to determine the role of this variant in disease. Therefore, it has been classified as a Variant of Uncertain Significance.